The following is an entry in ClinVar:

NM_004006.3(DMD):c.2440G>T (p.Glu814Ter)

Gene: DMD (dystrophin; minus strand). Cytogenetic location: Xp21.1.
Variant type: single nucleotide variant.
Coding change: c.2440G>T on transcript NM_004006.3 (MANE Select); coding-DNA position 2440, G replaced by T.
Protein change: p.Glu814Ter; replaces glutamic acid 814 with a stop codon.
Molecular consequence: nonsense.
Genome position (GRCh38, 1-based): chrX:32,491,459, C>A on the plus strand (G>T on the coding strand, the complement: DMD is on the minus strand). VCF-style: chrX-32491459-C-A. GRCh37 (hg19) VCF-style: chrX-32509576-C-A.
Other names: c.2416G>T, p.Glu806Ter (NM_000109.4); c.2428G>T, p.Glu810Ter (NM_004009.3); c.2071G>T, p.Glu691Ter (NM_004010.3); short protein forms E806*, E810*, E691*, E814*.
Identifiers: ClinVar variation 943312 (VCV000943312.8), dbSNP rs1408435603, ClinGen allele CA412672759.

ClinVar aggregate classification (germline): Pathogenic. Review status: criteria provided, multiple submitters, no conflicts (2 of 4 stars). 2 submissions from 2 submitters: Pathogenic (2). Last evaluated 2025-11-22.

Conditions:
DMD-related disorder. Also called: DMD-related condition.
Duchenne muscular dystrophy (DMD). Also called: Duchenne Muscular Dystrophy (DMD); MUSCULAR DYSTROPHY, PSEUDOHYPERTROPHIC PROGRESSIVE, DUCHENNE TYPE. Identifiers: Orphanet 98896, MedGen C0013264, MONDO:0010679, OMIM 310200.

Submissions (2):

Labcorp Genetics (formerly Invitae), Labcorp
Classification: Pathogenic for Duchenne muscular dystrophy. Last evaluated: 2025-11-22. Review status: criteria provided, single submitter. Criteria: Invitae Variant Classification Sherloc (09022015). Collection method: clinical testing. Allele origin: germline.
Comment: This sequence change creates a premature translational stop signal (p.Glu814*) in the DMD gene. It is expected to result in an absent or disrupted protein product. Loss-of-function variants in DMD are known to be pathogenic (PMID: 16770791, 25007885). This variant is not present in population databases (gnomAD no frequency). ClinVar contains an entry for this variant (Variation ID: 943312). For these reasons, this variant has been classified as Pathogenic.

Blueprint Genetics
Classification: Pathogenic for DMD-related disorders. Last evaluated: 2022-08-05. Review status: criteria provided, single submitter. Criteria: ACMG Guidelines, 2015. Collection method: clinical testing. Allele origin: germline. Affected: yes. Observed: 1 variant allele.

Literature cited by the submitters: PubMed 16770791 (cited by Labcorp Genetics (formerly Invitae), Labcorp); PubMed 25007885 (cited by Labcorp Genetics (formerly Invitae), Labcorp); PubMed 19937601 (cited by Labcorp Genetics (formerly Invitae), Labcorp); PubMed 21515508 (cited by Labcorp Genetics (formerly Invitae), Labcorp).